The following is an entry in ClinVar:

ClinVar aggregate classification (germline): Uncertain significance (1 of 4 stars; one submission).

Conditions:
Autoimmune lymphoproliferative syndrome type 2A (ALPS2A). Also called: AUTOIMMUNE LYMPHOPROLIFERATIVE SYNDROME, TYPE IIA; Autoimmune lymphoproliferative syndrome type 2; CASP10-Related Autoimmune Lymphoproliferative Syndrome. Identifiers: Orphanet 3261, MedGen C1858968, MONDO:0011383, OMIM 603909.

gnomAD v4.1: 1 of 1,613,142 alleles (0.000062%); highest among the groups gnomAD compares: Non-Finnish European, 0.000085%; no homozygotes.

Submission:

Labcorp Genetics (formerly Invitae), Labcorp
Classification: Uncertain significance for Autoimmune lymphoproliferative syndrome type 2A. Last evaluated: 2024-02-04. Review status: criteria provided, single submitter. Criteria: Invitae Variant Classification Sherloc (09022015). Collection method: clinical testing. Allele origin: germline.
Comment: This sequence change falls in intron 4 of the CASP10 gene. It does not directly change the encoded amino acid sequence of the CASP10 protein. It affects a nucleotide within the consensus splice site. This variant is not present in population databases (gnomAD no frequency). This variant has not been reported in the literature in individuals affected with CASP10-related conditions. Variants that disrupt the consensus splice site are a relatively common cause of aberrant splicing (PMID: 17576681, 9536098). Algorithms developed to predict the effect of sequence changes on RNA splicing suggest that this variant is not likely to affect RNA splicing. In summary, the available evidence is currently insufficient to determine the role of this variant in disease. Therefore, it has been classified as a Variant of Uncertain Significance.

Literature cited by the submitters: PubMed 17576681; PubMed 9536098.

NM_032977.4(CASP10):c.577+5G>T

Gene: CASP10 (caspase 10; plus strand). Cytogenetic location: 2q33.1.
Variant type: single nucleotide variant.
Coding change: c.577+5G>T on transcript NM_032977.4 (MANE Select); 5 bases into the intron after coding-DNA position 577, G replaced by T.
Molecular consequence: intron variant.
Genome position (GRCh38, 1-based): chr2:201,193,124, G>T. VCF-style: chr2-201193124-G-T. GRCh37 (hg19) VCF-style: chr2-202057847-G-T.
Other names: c.577+5G>T (NM_032974.5, NM_001206542.2, NM_032976.4 and 3 more transcripts).
Identifiers: ClinVar variation 2953426 (VCV002953426.3), dbSNP rs1228415590, ClinGen allele CA2662624205.